The following is an entry in ClinVar:

ClinVar aggregate classification (germline): Uncertain significance. Review status: criteria provided, multiple submitters, no conflicts (2 of 4 stars). 4 submissions from 2 submitters: Uncertain significance (4). Last evaluated 2022-08-23.

Conditions:
Androgen resistance syndrome (AIS). Also called: Androgen insensitivity, complete; DIHYDROTESTOSTERONE RECEPTOR DEFICIENCY; Androgen insensitivity syndrome due to coactivator deficiency; Androgen insensitivity; TESTICULAR FEMINIZATION SYNDROME; ANDROGEN RECEPTOR DEFICIENCY. Identifiers: Orphanet 754, Orphanet 99429, MedGen C0039585, MONDO:0019154, OMIM 300068. Disease mechanism: loss of function.
Hypospadias 1, X-linked (HYSP1). Identifiers: Orphanet 440, MedGen C2678098, MONDO:0010384, OMIM 300633.
Androgen insensitivity, partial, with breast cancer. Identifiers: MedGen C4016581.
AR-related disorder. Also called: AR-related condition.

Submissions (4):

PreventionGenetics, part of Exact Sciences
Classification: Uncertain significance for AR-related condition. Last evaluated: 2022-08-23. Review status: criteria provided, single submitter. Criteria: ACMG Guidelines, 2015. Collection method: clinical testing. Allele origin: germline.
Comment: The AR c.1385_1420del36 variant is predicted to result in an in-frame deletion (p.Gly462_Gly473del). This variant occurs within an exon 1 polyglycine track and leads to deletion of 12 glycine residues. This polyglycine track occurs downstream of the polyglutamine track where expansions are causative for spinal and bulbar muscular atrophy. To our knowledge, this variant has not been reported in the literature or in a large population database, indicating this variant is rare. However, there is some evidence in the literature suggesting that shorter polyglycine tracks may also be associated with AR-related disease (Werner et al. 2006. PubMed ID: 16804045; Hakimi et al. 1997. PubMed ID: 9815849). This variant has been interpreted as uncertain in ClinVar. At this time, the clinical significance of this variant is uncertain due to the absence of conclusive functional and genetic evidence.

Genomic Research Center, Shahid Beheshti University of Medical Sciences
Classification: Uncertain significance for Androgen insensitivity, partial, with breast cancer. Last evaluated: 2018-08-07. Review status: criteria provided, single submitter. Criteria: ACMG Guidelines, 2015. Collection method: clinical testing. Allele origin: inherited. Observed: 1 variant allele.

Genomic Research Center, Shahid Beheshti University of Medical Sciences
Classification: Uncertain significance for Hypospadias 1, X-linked. Last evaluated: 2018-08-07. Review status: criteria provided, single submitter. Criteria: ACMG Guidelines, 2015. Collection method: clinical testing. Allele origin: inherited. Observed: 1 variant allele.

Genomic Research Center, Shahid Beheshti University of Medical Sciences
Classification: Uncertain significance for Androgen insensitivity syndrome. Last evaluated: 2018-08-07. Review status: criteria provided, single submitter. Criteria: ACMG Guidelines, 2015. Collection method: clinical testing. Allele origin: inherited. Observed: 1 variant allele.

NM_000044.6(AR):c.1370GCG[5] (p.Gly462_Gly473del)

Gene: AR (androgen receptor; plus strand). Cytogenetic location: Xq12.
Variant type: Microsatellite.
Coding change: c.1370GCG[5] on transcript NM_000044.6 (MANE Select); five copies in a row of the 3-base unit GCG starting at c.1370; the reference has 17 copies in a row; 12 copies, 36 bases deleted.
Protein change: p.Gly462_Gly473del.
Molecular consequence: inframe deletion. On other transcripts: 5 prime UTR variant (1).
Genome position (GRCh38, 1-based): chrX:67,546,531-67,546,566, 36 bases deleted; deleting any 36 consecutive bases within chrX:67,546,515-67,546,566 gives the same sequence; the position shown is the placement nearest the transcript's 3' end. GRCh37 (hg19), VCF-style position (the base before the change): chrX:66,766,356.
Other names: c.1385_1420del36 (NM_000044.3); c.-414GCG[5] (NM_001011645.3); c.1370GCG[5], p.Gly462_Gly473del (NM_001348061.1, NM_001348063.1, NM_001348064.1).
Identifiers: ClinVar variation 587547 (VCV000587547.5), dbSNP rs746853821, ClinGen allele CA877549809.